The following is an entry in ClinVar:

ClinVar aggregate classification (germline): Uncertain significance (1 of 4 stars; one submission).

Allele frequency attached by ClinVar (database versions not stated): gnomAD exomes below 0.00001.
gnomAD v4.1: 1 of 1,612,630 alleles (0.000062%); highest among the groups gnomAD compares: Non-Finnish European, 0.000085%; no homozygotes.

Submission:

Labcorp Genetics (formerly Invitae), Labcorp
Classification: Uncertain significance. Last evaluated: 2022-05-03. Review status: criteria provided, single submitter. Criteria: Invitae Variant Classification Sherloc (09022015). Collection method: clinical testing. Allele origin: germline.
Comment: In summary, the available evidence is currently insufficient to determine the role of this variant in disease. Therefore, it has been classified as a Variant of Uncertain Significance. Algorithms developed to predict the effect of missense changes on protein structure and function output the following: SIFT: "Tolerated"; PolyPhen-2: "Possibly Damaging"; Align-GVGD: "Class C0". The serine amino acid residue is found in multiple mammalian species, which suggests that this missense change does not adversely affect protein function. This variant has not been reported in the literature in individuals affected with ASPM-related conditions. This variant is not present in population databases (gnomAD no frequency). This sequence change replaces alanine, which is neutral and non-polar, with serine, which is neutral and polar, at codon 2248 of the ASPM protein (p.Ala2248Ser).

NM_018136.5(ASPM):c.6742G>T (p.Ala2248Ser)

Gene: ASPM (assembly factor for spindle microtubules; minus strand). Cytogenetic location: 1q31.3.
Variant type: single nucleotide variant.
Coding change: c.6742G>T on transcript NM_018136.5 (MANE Select); coding-DNA position 6742, G replaced by T.
Protein change: p.Ala2248Ser; replaces alanine 2248 with serine.
Molecular consequence: missense variant. On other transcripts: intron variant (1).
Genome position (GRCh38, 1-based): chr1:197,102,509, C>A on the plus strand (G>T on the coding strand, the complement: ASPM is on the minus strand). VCF-style: chr1-197102509-C-A. GRCh37 (hg19) VCF-style: chr1-197071639-C-A.
Other names: c.4066-6345G>T (NM_001206846.2); short protein forms A2248S.
Identifiers: ClinVar variation 2133240 (VCV002133240.4), dbSNP rs2527295775, ClinGen allele CA344021619.